The following is an entry in ClinVar:

ClinVar aggregate classification (germline): Uncertain significance (1 of 4 stars; one submission).

Conditions:
Inborn genetic diseases. Identifiers: MedGen C0950123, MeSH D030342.

Submission:

Ambry Genetics
Classification: Uncertain significance for Inborn genetic diseases. Last evaluated: 2026-06-16. Review status: criteria provided, single submitter. Criteria: Ambry Variant Classification Scheme 2023. Collection method: clinical testing. Allele origin: germline.
Comment: The p.M215T variant (also known as c.644T>C), located in coding exon 1 of the SAMD9L gene, results from a T to C substitution at nucleotide position 644. The methionine at codon 215 is replaced by threonine, an amino acid with similar properties. This amino acid position is conserved. In addition, this alteration is predicted to be tolerated by in silico analysis. Based on the available evidence, the clinical significance of this variant remains unclear.

NM_152703.5(SAMD9L):c.644T>C (p.Met215Thr)

Gene: SAMD9L (sterile alpha motif domain containing 9 like; minus strand). Cytogenetic location: 7q21.2.
Variant type: single nucleotide variant.
Coding change: c.644T>C on transcript NM_152703.5 (MANE Select); coding-DNA position 644, T replaced by C.
Protein change: p.Met215Thr; replaces methionine 215 with threonine.
Molecular consequence: missense variant.
Genome position (GRCh38, 1-based): chr7:93,135,328, A>G on the plus strand (T>C on the coding strand, the complement: SAMD9L is on the minus strand). VCF-style: chr7-93135328-A-G. GRCh37 (hg19) VCF-style: chr7-92764641-A-G.
Other names: c.644T>C, p.Met215Thr (NM_001303496.3, NM_001303497.3, NM_001303498.3 and 5 more transcripts); short protein forms M215T.
Identifiers: ClinVar variation 5028832 (VCV005028832.1).
Genomic context (GRCh38, chr7:93,135,328, plus strand): 5'-CCATTGGTGCGTGAATTCATACAAGCTGATGCAAATCGGAAGACTTCATTGCTGAATTTC[A>G]TCTTAATGTCCACTTCCGTGGCTGTTTCTGTGTTTGTGAGAGCTTTGAACTCATGTATTG-3'
Protein context (NP_689916.2, residues 205-225): TETATEVDIK[Met215Thr]KFSNEVFRFA